The following is an entry in ClinVar:

ClinVar aggregate classification (germline): Uncertain significance. Review status: criteria provided, multiple submitters, no conflicts (2 of 4 stars). 2 submissions from 2 submitters: Uncertain significance (2). Last evaluated 2025-05-19.

Conditions:
Cardiovascular phenotype. Identifiers: MedGen CN230736.
Hypertrophic cardiomyopathy 14. Identifiers: MedGen C2750467, MONDO:0013197, OMIM 613251.

Allele frequency attached by ClinVar (database versions not stated): gnomAD exomes below 0.00001; TOPMed below 0.00001; gnomAD 0.00001.

Submissions (2):

Labcorp Genetics (formerly Invitae), Labcorp
Classification: Uncertain significance for Hypertrophic cardiomyopathy 14. Last evaluated: 2025-05-19. Review status: criteria provided, single submitter. Criteria: Invitae Variant Classification Sherloc (09022015). Collection method: clinical testing. Allele origin: germline.
Comment: This sequence change replaces leucine, which is neutral and non-polar, with phenylalanine, which is neutral and non-polar, at codon 748 of the MYH6 protein (p.Leu748Phe). This variant is not present in population databases (gnomAD no frequency). This variant has not been reported in the literature in individuals affected with MYH6-related conditions. ClinVar contains an entry for this variant (Variation ID: 1788296). Invitae Evidence Modeling of protein sequence and biophysical properties (such as structural, functional, and spatial information, amino acid conservation, physicochemical variation, residue mobility, and thermodynamic stability) indicates that this missense variant is expected to disrupt MYH6 protein function with a positive predictive value of 80%. In summary, the available evidence is currently insufficient to determine the role of this variant in disease. Therefore, it has been classified as a Variant of Uncertain Significance.

Ambry Genetics
Classification: Uncertain significance for Cardiovascular phenotype. Last evaluated: 2019-06-01. Review status: criteria provided, single submitter. Criteria: Ambry Variant Classification Scheme 2023. Collection method: clinical testing. Allele origin: germline.
Comment: The p.L748F variant (also known as c.2242C>T), located in coding exon 17 of the MYH6 gene, results from a C to T substitution at nucleotide position 2242. The leucine at codon 748 is replaced by phenylalanine, an amino acid with highly similar properties. This amino acid position is highly conserved in available vertebrate species. In addition, the in silico prediction for this alteration is inconclusive. Since supporting evidence is limited at this time, the clinical significance of this alteration remains unclear.

NM_002471.4(MYH6):c.2242C>T (p.Leu748Phe)

Gene: MYH6 (myosin heavy chain 6; minus strand). Cytogenetic location: 14q11.2.
Variant type: single nucleotide variant.
Coding change: c.2242C>T on transcript NM_002471.4 (MANE Select); coding-DNA position 2242, C replaced by T.
Protein change: p.Leu748Phe; replaces leucine 748 with phenylalanine.
Molecular consequence: missense variant.
Genome position (GRCh38, 1-based): chr14:23,396,744, G>A on the plus strand (C>T on the coding strand, the complement: MYH6 is on the minus strand). VCF-style: chr14-23396744-G-A. GRCh37 (hg19) VCF-style: chr14-23865953-G-A.
Other names: short protein forms L748F.
Identifiers: ClinVar variation 1788296 (VCV001788296.3), dbSNP rs1198472070, ClinGen allele CA389016918.
Genomic context (GRCh38, chr14:23,396,744, plus strand): 5'-CTAGACTCACCTTGGTGTGGCCAAACTTGTACTGGTTGTGATCAATGTCCAGAGAGCTGA[G>A]CAGCTTCTCTGTCCCCTTCCTGCTATCAATGAACTGTCCCTCAGGGATGGCCACTGGGTT-3'
Protein context (NP_002462.2, residues 738-758): IDSRKGTEKL[Leu748Phe]SSLDIDHNQY